The following is an entry in ClinVar:

ClinVar aggregate classification (germline): Pathogenic/Likely pathogenic. Review status: criteria provided, multiple submitters, no conflicts (2 of 4 stars). 4 submissions from 4 submitters: Pathogenic (1); Likely pathogenic (2). 1 of the submissions does not count toward it. Last evaluated 2024-01-28.

Conditions:
Fanconi anemia (FA). Also called: Fanconi's anemia. Identifiers: Orphanet 84, MedGen C0015625, MeSH D005199, MONDO:0019391.
Fanconi anemia complementation group I (FANCI). Also called: FANCI-Related Fanconi Anemia. Identifiers: Orphanet 84, MedGen C1836861, MONDO:0012186, OMIM 609053.

Submissions (4):

Fulgent Genetics
Classification: Likely pathogenic for Fanconi anemia complementation group I. Last evaluated: 2024-01-28. Review status: criteria provided, single submitter. Criteria: ACMG Guidelines, 2015. Collection method: clinical testing. Allele origin: germline.

Labcorp Genetics (formerly Invitae), Labcorp
Classification: Pathogenic for Fanconi anemia. Last evaluated: 2023-05-30. Review status: criteria provided, single submitter. Criteria: Invitae Variant Classification Sherloc (09022015). Collection method: clinical testing. Allele origin: germline.
Comment: For these reasons, this variant has been classified as Pathogenic. Algorithms developed to predict the effect of sequence changes on RNA splicing suggest that this variant may disrupt the consensus splice site. ClinVar contains an entry for this variant (Variation ID: 591726). This variant has not been reported in the literature in individuals affected with FANCI-related conditions. This variant is not present in population databases (gnomAD no frequency). This sequence change creates a premature translational stop signal (p.Tyr778Leufs*6) in the FANCI gene. It is expected to result in an absent or disrupted protein product. Loss-of-function variants in FANCI are known to be pathogenic (PMID: 17452773, 17460694).

Baylor Genetics
Classification: Likely pathogenic for Fanconi anemia complementation group I. Last evaluated: 2023-03-27. Review status: criteria provided, single submitter. Criteria: ACMG Guidelines, 2015. Collection method: clinical testing. Allele origin: unknown.

Gharavi Laboratory, Columbia University
Classification: Uncertain significance. Last evaluated: 2018-09-16. Review status: no assertion criteria provided. Criteria: ACMG Guidelines, 2015. Collection method: research. Allele origin: germline. Affected: yes. Not counted in ClinVar's aggregate classification.

Literature cited by the submitters: PubMed 17452773 (cited by Labcorp Genetics (formerly Invitae), Labcorp); PubMed 17460694 (cited by Labcorp Genetics (formerly Invitae), Labcorp).

NM_001113378.2(FANCI):c.2332dup (p.Tyr778fs)

Gene: FANCI (FA complementation group I; plus strand). Cytogenetic location: 15q26.1.
Variant type: Duplication.
Coding change: c.2332dup on transcript NM_001113378.2 (MANE Select); coding-DNA position 2332, one base duplicated (T; older notation c.2332dupT).
Protein change: p.Tyr778fs; shifts the reading frame from tyrosine 778.
Molecular consequence: frameshift variant.
Genome position (GRCh38, 1-based): chr15:89,293,873, T duplicated; the last of 2 consecutive T bases (chr15:89,293,872-89,293,873); duplicating either gives the same sequence. VCF-style (leftmost placement, unchanged base first): chr15-89293871-G-GT. GRCh37 (hg19) VCF-style: chr15-89837102-G-GT.
Other names: c.2053dup, p.Tyr685fs (NM_001376910.1); c.2332dup, p.Tyr778fs (NM_001376911.1, NM_018193.3); short protein forms Y778fs, Y685fs.
Identifiers: ClinVar variation 591726 (VCV000591726.6), dbSNP rs1567165630, ClinGen allele CA891863009.